The following is an entry in ClinVar:

NM_013275.6(ANKRD11):c.3949del (p.Gly1316_Leu1317insTer)

Gene: ANKRD11 (ankyrin repeat domain 11; minus strand). Cytogenetic location: 16q24.3.
Variant type: Deletion.
Coding change: c.3949del on transcript NM_013275.6 (MANE Select); coding-DNA position 3949, one base deleted (C; older notation c.3949delC).
Protein change: p.Gly1316_Leu1317insTer.
Molecular consequence: nonsense.
Genome position (GRCh38, 1-based): chr16:89,282,593, G deleted on the plus strand (C on the coding strand, the reverse complement: ANKRD11 is on the minus strand). VCF-style (leftmost placement, unchanged base first): chr16-89282592-AG-A. GRCh37 (hg19) VCF-style: chr16-89349000-AG-A.
Other names: c.3949del, p.Gly1316_Leu1317insTer (NM_001256182.2, NM_001256183.2).
Identifiers: ClinVar variation 4849854 (VCV004849854.2).
Genomic context (GRCh38, chr16:89,282,592, plus strand): 5'-CTCTCCCTCGGCTTGTCGTCTCCAGGTGGCTCCGTGAAAGAGACCTCCAGGAAGGCAGTC[AG>A]CCCCGGCTCCTGCCCTCGGTCCGTGAAGCTGTCAGAGGAGACCTCGCTGATTTTATCGTT-3'

ClinVar aggregate classification (germline): Likely pathogenic (1 of 4 stars; one submission).

Conditions:
KBG syndrome (KBGS). Also called: ANKRD11-Related KBG Syndrome. Identifiers: Orphanet 2332, MedGen C0220687, MONDO:0007846, OMIM 148050.

Submission:

Clinical Genetics Laboratory, Region Ostergotland
Classification: Likely pathogenic for KBG syndrome. Last evaluated: 2026-04-21. Review status: criteria provided, single submitter. Criteria: ACMG Guidelines, 2015. Collection method: clinical testing. Allele origin: germline. Affected: yes.
Comment: The variant is not found in population database (no frequency gnomAD v4.1.1 (non-UKB)) and is not present in ClinVar. Loss-of-function variants in the ANKRD11 gene is a known mechanism of disease. The following ACMG/AMP criteria were applied in classifying this variant as Likely Pathogenic: PM2, PVS1